The following is an entry in ClinVar:

ClinVar aggregate classification (germline): Pathogenic/Likely pathogenic. Review status: criteria provided, multiple submitters, no conflicts (2 of 4 stars). 8 submissions from 7 submitters: Pathogenic (4); Likely pathogenic (4). Last evaluated 2026-06-18.

Conditions:
Coffin-Lowry syndrome (CLS). Also called: COFFIN-LOWRY SYNDROME, MILD; Mental retardation with osteocartilaginous abnormalities. Identifiers: Orphanet 192, MedGen C0265252, MONDO:0010561, OMIM 303600.
Intellectual developmental disorder, X-linked 19. Also called: Intellectual disability, X-linked 19. Identifiers: Orphanet 777, MedGen C0796225, MONDO:0010447, OMIM 300844.
Inborn genetic diseases. Identifiers: MedGen C0950123, MeSH D030342.

Submissions (8):

Ambry Genetics
Classification: Pathogenic for Inborn genetic diseases. Last evaluated: 2026-06-18. Review status: criteria provided, single submitter. Criteria: Ambry Variant Classification Scheme 2023. Collection method: clinical testing. Allele origin: germline.
Comment: The c.2185C>T (p.R729W) alteration is located in exon 22 (coding exon 22) of the RPS6KA3 gene. This alteration results from a C to T substitution at nucleotide position 2185, causing the arginine (R) at amino acid position 729 to be replaced by a tryptophan (W). This variant was not reported in population-based cohorts in the Genome Aggregation Database (gnomAD). This variant was reported in individual(s) with features consistent with RPS6KA3-related neurodevelopmental disorder; in at least one individual, it was determined to be de novo (Delaunoy, 2006; Niida, 2012; Lv, 2018). Additionally, another variant at the same codon, c.2186G>A, (p.R729Q) has been identified in individual(s) with features consistent with RPS6KA3-related neurodevelopmental disorder (Ambry internal data). This amino acid position is highly conserved in available vertebrate species. This alteration is predicted to be deleterious by in silico analysis. Based on the available evidence, this alteration is classified as pathogenic.

3billion
Classification: Pathogenic for Coffin-Lowry syndrome. Last evaluated: 2025-06-10. Review status: criteria provided, single submitter. Criteria: ACMG Guidelines, 2015. Collection method: clinical testing. Allele origin: germline. Affected: yes.
Comment: The variant is not observed in the gnomAD v4.1.0 dataset. Predicted Consequence/Location: Missense variant In silico tool predictions suggest damaging effect of the variant on gene or gene product [REVEL: 0.73 (>=0.6, sensitivity 0.68 and specificity 0.92)]. The same nucleotide change resulting in the same amino acid change has been previously reported as pathogenic/likely pathogenic with strong evidence (ClinVar ID: VCV000547768 /PMID: 16879200). The variant has been observed in at least two similarly affected unrelated individuals (PMID: 16879200). A different missense change at the same codon (p.Arg729Gln) has been reported as pathogenic/likely pathogenic with strong evidence (ClinVar ID: VCV000011658 /PMID: 10094187). Therefore, this variant is classified as Pathogenic according to the recommendation of ACMG/AMP guideline.

GeneDx
Classification: Likely pathogenic. Last evaluated: 2023-06-02. Review status: criteria provided, single submitter. Criteria: GeneDx Variant Classification Process June 2021. Collection method: clinical testing. Allele origin: germline. Affected: yes.
Comment: Not observed at significant frequency in large population cohorts (gnomAD); In silico analysis supports that this missense variant has a deleterious effect on protein structure/function; This variant is associated with the following publications: (PMID: 23022073, 33101045, 16879200)

Duke University Health System Sequencing Clinic, Duke University Health System
Classification: Likely pathogenic for Coffin-Lowry syndrome. Last evaluated: 2023-04-20. Review status: criteria provided, single submitter. Criteria: ACMG Guidelines, 2015. Collection method: research. Allele origin: de novo. Affected: yes.

Revvity Omics, Revvity
Classification: Pathogenic. Last evaluated: 2022-02-04. Review status: criteria provided, single submitter. Criteria: ACMG Guidelines, 2015. Collection method: clinical testing. Allele origin: germline.

Genomic Research Center, Shahid Beheshti University of Medical Sciences
Classification: Likely pathogenic for Coffin-Lowry syndrome. Last evaluated: 2018-08-07. Review status: criteria provided, single submitter. Criteria: ACMG Guidelines, 2015. Collection method: clinical testing. Allele origin: inherited. Affected: yes. Observed: 1 variant allele.

Genomic Research Center, Shahid Beheshti University of Medical Sciences
Classification: Likely pathogenic for Mental retardation, X-linked 19. Last evaluated: 2018-08-07. Review status: criteria provided, single submitter. Criteria: ACMG Guidelines, 2015. Collection method: clinical testing. Allele origin: inherited. Affected: yes. Observed: 1 variant allele.

Center for Human Genetics, Inc
Classification: Pathogenic for Coffin-Lowry syndrome. Last evaluated: 2016-11-01. Review status: criteria provided, single submitter. Criteria: ACMG Guidelines, 2015. Collection method: clinical testing. Allele origin: germline. Affected: yes.

Literature cited by the submitters: PubMed 16879200 (cited by Ambry Genetics and 3billion); PubMed 23022073 (cited by Ambry Genetics); PubMed 30740391 (cited by Ambry Genetics); PubMed 10094187 (cited by 3billion).

NM_004586.3(RPS6KA3):c.2185C>T (p.Arg729Trp)

Gene: RPS6KA3 (ribosomal protein S6 kinase A3; minus strand). Cytogenetic location: Xp22.12.
Variant type: single nucleotide variant.
Coding change: c.2185C>T on transcript NM_004586.3 (MANE Select); coding-DNA position 2185, C replaced by T.
Protein change: p.Arg729Trp; replaces arginine 729 with tryptophan.
Molecular consequence: missense variant.
Genome position (GRCh38, 1-based): chrX:20,155,436, G>A on the plus strand (C>T on the coding strand, the complement: RPS6KA3 is on the minus strand). VCF-style: chrX-20155436-G-A. GRCh37 (hg19) VCF-style: chrX-20173554-G-A.
Other names: short protein forms R729W.
Identifiers: ClinVar variation 547768 (VCV000547768.12), dbSNP rs1555924331, ClinGen allele CA412511813.